The following is an entry in ClinVar:

ClinVar aggregate classification (germline): Uncertain significance. Review status: criteria provided, multiple submitters, no conflicts (2 of 4 stars). 6 submissions from 6 submitters: Uncertain significance (5). 1 of the submissions does not count toward it. Last evaluated 2024-03-14.

Conditions:
Hereditary cancer-predisposing syndrome. Also called: Hereditary neoplastic syndrome; Hereditary Cancer Syndrome; Tumor predisposition; Neoplastic Syndromes, Hereditary. Identifiers: Orphanet 140162, MedGen C0027672, MeSH D009386, MONDO:0015356.
Malignant tumor of breast. Also called: Malignant breast neoplasm; Cancer breast. Identifiers: MedGen C0006142, MONDO:0007254. Disease mechanism: loss of function.
Familial cancer of breast. Also called: hereditary breast carcinoma; Hereditary breast cancer; BREAST CANCER, FAMILIAL. Identifiers: Orphanet 227535, MedGen C0346153, MONDO:0016419, OMIM 114480. Disease mechanism: loss of function.

Submissions (6):

Labcorp Genetics (formerly Invitae), Labcorp
Classification: Uncertain significance for Familial cancer of breast. Last evaluated: 2024-03-14. Review status: criteria provided, single submitter. Criteria: Invitae Variant Classification Sherloc (09022015). Collection method: clinical testing. Allele origin: germline.
Comment: This sequence change replaces aspartic acid, which is acidic and polar, with asparagine, which is neutral and polar, at codon 3 of the BARD1 protein (p.Asp3Asn). This variant is not present in population databases (gnomAD no frequency). This variant has not been reported in the literature in individuals affected with BARD1-related conditions. ClinVar contains an entry for this variant (Variation ID: 438899). An algorithm developed to predict the effect of missense changes on protein structure and function (PolyPhen-2) suggests that this variant is likely to be tolerated. In summary, the available evidence is currently insufficient to determine the role of this variant in disease. Therefore, it has been classified as a Variant of Uncertain Significance.

Ambry Genetics
Classification: Uncertain significance for Hereditary cancer-predisposing syndrome. Last evaluated: 2023-12-18. Review status: criteria provided, single submitter. Criteria: Ambry Variant Classification Scheme 2023. Collection method: clinical testing. Allele origin: germline.
Comment: The p.D3N variant (also known as c.7G>A), located in coding exon 1 of the BARD1 gene, results from a G to A substitution at nucleotide position 7. The aspartic acid at codon 3 is replaced by asparagine, an amino acid with highly similar properties. This amino acid position is well conserved in available vertebrate species. In addition, this alteration is predicted to be tolerated by in silico analysis. Since supporting evidence is limited at this time, the clinical significance of this alteration remains unclear.

KCCC/NGS Laboratory, Kuwait Cancer Control Center
Classification: Uncertain significance for Familial cancer of breast. Last evaluated: 2023-07-07. Review status: criteria provided, single submitter. Criteria: ACMG Guidelines, 2015. Collection method: clinical testing. Allele origin: unknown. Affected: yes.
Comment: The p.Asp3Asn variant located in coding exon 1 of the BARD1 gene, results from a C to T substitution at nucleotide position 7. The Asp. at codon 3 is replaced by Asn , This amino acid position is not conserved (PhyloP= -0.220 ). This variant not present in our local database nor was it identified in the Genome Aggregation Database The computational analyses (PolyPhen-2, SIFT, AlignGVGD, BLOSUM, MutationTaster) do not suggest a high likelihood the variant Asn impacts the protein; however, this information is not predictive enough to rule out pathogenicity. ClinVar has an entry for this variant (438899) as uncertain significance submitted by four different diagnostic labs . Since supporting evidence is limited at this time, this variant is classified as of uncertain significance.

Color Diagnostics, LLC DBA Color Health
Classification: Uncertain significance for Hereditary cancer-predisposing syndrome. Last evaluated: 2019-06-24. Review status: criteria provided, single submitter. Criteria: ACMG Guidelines, 2015. Collection method: clinical testing. Allele origin: germline.

Quest Diagnostics Nichols Institute San Juan Capistrano
Classification: Uncertain significance. Last evaluated: 2017-06-16. Review status: criteria provided, single submitter. Criteria: Quest Diagnostics criteria. Collection method: clinical testing. Allele origin: germline.

Department of Pathology and Laboratory Medicine, Sinai Health System
Classification: Uncertain significance for Malignant tumor of breast. Review status: no assertion criteria provided. Collection method: clinical testing. Allele origin: unknown. Affected: yes. Study: The Canadian Open Genetics Repository (COGR). Not counted in ClinVar's aggregate classification.
Comment: The BARD1 p.Asp3Asn variant was not identified in the literature nor was it identified in the dbSNP, MutDB, Zhejiang Colon Cancer Database, Clinvitae, the 1000 Genomes Project, the NHLBI GO Exome Sequencing Project, the Exome Aggregation Consortium (August 8th 2016), or the Genome Aggregation Database (Feb 27, 2017). The variant was identified in ClinVar (as uncertain significance by Quest Diagnostics Nichols Institute San Juan Capistrano). The p.Asp3 residue is not conserved in mammals and computational analyses (PolyPhen-2, SIFT, AlignGVGD, BLOSUM, MutationTaster) do not suggest a high likelihood the variant Asn impacts the protein; however, this information is not predictive enough to rule out pathogenicity. The variant occurs outside of the splicing consensus sequence and in silico or computational prediction software programs (SpliceSiteFinder, MaxEntScan, NNSPLICE, GeneSplicer, HumanSpliceFinder) do not predict a difference in splicing. In summary, based on the above information the clinical significance of this variant cannot be determined with certainty at this time. This variant is classified as a variant of uncertain significance.

NM_000465.4(BARD1):c.7G>A (p.Asp3Asn)

Gene: BARD1 (BRCA1 associated RING domain 1; minus strand). Cytogenetic location: 2q35.
Variant type: single nucleotide variant.
Coding change: c.7G>A on transcript NM_000465.4 (MANE Select); coding-DNA position 7, G replaced by A.
Protein change: p.Asp3Asn; replaces aspartic acid 3 with asparagine.
Molecular consequence: missense variant. On other transcripts: non-coding transcript variant (3).
Genome position (GRCh38, 1-based): chr2:214,809,563, C>T on the plus strand (G>A on the coding strand, the complement: BARD1 is on the minus strand). VCF-style: chr2-214809563-C-T. GRCh37 (hg19) VCF-style: chr2-215674287-C-T.
Other names: c.7G>A, p.Asp3Asn (NM_001282543.2, NM_001282545.2, NM_001282548.2 and 1 more transcripts); c.7G>A (NM_000465.2); short protein forms D3N.
Identifiers: ClinVar variation 438899 (VCV000438899.20), dbSNP rs1060501282, ClinGen allele CA350465510.
Genomic context (GRCh38, chr2:214,809,563, plus strand): 5'-CGGAACGAGGCTCGTTCCCGGAGCGGATCCTCGGCTGCCGGTTCCTCGGCTGCCGATTAT[C>T]CGGCATCGTCCCGCCTTCGGATGAAAGGCTCCTCGCAGAGCGGGAAGCAAGGAAGCCTCG-3'
Protein context (NP_000456.2, residues 1-13): MP[Asp3Asn]NRQPRNRQPR